The following is an entry in ClinVar:

ClinVar aggregate classification (germline): Likely benign (0 of 4 stars; one submission).

Conditions:
CREB3L1-related disorder. Also called: CREB3L1-related condition.

Submission:

PreventionGenetics, part of Exact Sciences
Classification: Likely benign for CREB3L1-related condition. Last evaluated: 2020-05-11. Review status: no assertion criteria provided. Collection method: clinical testing. Allele origin: germline.
Comment: This variant is classified as likely benign based on ACMG/AMP sequence variant interpretation guidelines (Richards et al. 2015 PMID: 25741868, with internal and published modifications).

NM_052854.4(CREB3L1):c.516+4A>G

Gene: CREB3L1 (cAMP responsive element binding protein 3 like 1; plus strand). Cytogenetic location: 11p11.2.
Variant type: single nucleotide variant.
Coding change: c.516+4A>G on transcript NM_052854.4 (MANE Select); 4 bases into the intron after coding-DNA position 516, A replaced by G.
Molecular consequence: intron variant.
Genome position (GRCh38, 1-based): chr11:46,308,004, A>G. VCF-style: chr11-46308004-A-G. GRCh37 (hg19) VCF-style: chr11-46329555-A-G.
Identifiers: ClinVar variation 3052174 (VCV003052174.2), dbSNP rs2496157150, ClinGen allele CA2613291323.